The following is an entry in ClinVar:

NM_004425.4(ECM1):c.129C>T (p.Tyr43=)

Gene: ECM1 (extracellular matrix protein 1; plus strand). Cytogenetic location: 1q21.2.
Variant type: single nucleotide variant.
Coding change: c.129C>T on transcript NM_004425.4 (MANE Select); coding-DNA position 129, C replaced by T.
Protein change: p.Tyr43=; no amino-acid change (tyrosine 43 retained).
Molecular consequence: synonymous variant.
Genome position (GRCh38, 1-based): chr1:150,509,668, C>T. VCF-style: chr1-150509668-C-T. GRCh37 (hg19) VCF-style: chr1-150482144-C-T.
Other names: c.129C>T, p.Tyr43= (NM_001202858.2, NM_022664.3).
Identifiers: ClinVar variation 3058755 (VCV003058755.2), dbSNP rs201295989, ClinGen allele CA1077320.

ClinVar aggregate classification (germline): Likely benign (0 of 4 stars; one submission).

Conditions:
ECM1-related disorder. Also called: ECM1-related condition.

Allele frequency attached by ClinVar (database versions not stated): ExAC 0.00007; gnomAD exomes 0.00007; TOPMed 0.00008; gnomAD 0.00009; 1000 Genomes Project 30x 0.00016; 1000 Genomes Project 0.00020.
gnomAD v4.1: 123 of 1,613,748 alleles (0.0076%); highest among the groups gnomAD compares: East Asian, 0.098%; 1 homozygote.

Submission:

PreventionGenetics, part of Exact Sciences
Classification: Likely benign for ECM1-related condition. Last evaluated: 2020-08-03. Review status: no assertion criteria provided. Collection method: clinical testing. Allele origin: germline.
Comment: This variant is classified as likely benign based on ACMG/AMP sequence variant interpretation guidelines (Richards et al. 2015 PMID: 25741868, with internal and published modifications).